The following is an entry in ClinVar:

NM_000069.3(CACNA1S):c.1689G>T (p.Leu563=)

Gene: CACNA1S (calcium voltage-gated channel subunit alpha1 S; minus strand). Cytogenetic location: 1q32.1.
Variant type: single nucleotide variant.
Coding change: c.1689G>T on transcript NM_000069.3 (MANE Select); coding-DNA position 1689, G replaced by T.
Protein change: p.Leu563=; no amino-acid change (leucine 563 retained).
Molecular consequence: synonymous variant.
Genome position (GRCh38, 1-based): chr1:201,077,058, C>A on the plus strand (G>T on the coding strand, the complement: CACNA1S is on the minus strand). VCF-style: chr1-201077058-C-A. GRCh37 (hg19) VCF-style: chr1-201046186-C-A.
Identifiers: ClinVar variation 3073537 (VCV003073537.1), dbSNP rs2464567139, ClinGen allele CA422689454.

ClinVar aggregate classification (germline): Likely benign (1 of 4 stars; one submission).

Conditions:
Malignant hyperthermia, susceptibility to, 5 (MHS5). Also called: CACNA1S-Related Malignant Hyperthermia Susceptibility. Identifiers: Orphanet 423, MedGen C1866077, MONDO:0011163, OMIM 601887.

Submission:

All of Us Research Program, National Institutes of Health
Classification: Likely benign for Malignant hyperthermia, susceptibility to, 5. Last evaluated: 2023-10-02. Review status: criteria provided, single submitter. Criteria: ACMG Guidelines, 2015. Collection method: clinical testing. Allele origin: germline. Inheritance: Autosomal dominant inheritance. Observed: 1 variant allele, 1 heterozygote.
Comment: This study involves interpretation of variants in research participants for the purpose of population health screening. Participant phenotype was not available at the time of variant classification. Additional details can be found in publication PMID: 35346344, PMCID: PMC8962531